The following is an entry in ClinVar:

ClinVar aggregate classification (germline): Pathogenic (1 of 4 stars; one submission).

Conditions:
Infantile neuroaxonal dystrophy (NBIA2A). Also called: NEURODEGENERATION WITH BRAIN IRON ACCUMULATION 2A; SEITELBERGER DISEASE; Infantile neuroaxonal dystrophy 1. Identifiers: Orphanet 35069, MedGen C0270724, MONDO:0024457, OMIM 256600.

Submission:

Labcorp Genetics (formerly Invitae), Labcorp
Classification: Pathogenic for Infantile neuroaxonal dystrophy. Last evaluated: 2023-08-17. Review status: criteria provided, single submitter. Criteria: Invitae Variant Classification Sherloc (09022015). Collection method: clinical testing. Allele origin: unknown.
Comment: This variant is a gross deletion of the genomic region encompassing exon(s) 8 of the PLA2G6 gene. This deletion is out-of-frame, and is expected to create a premature termination codon and result in an absent or disrupted protein product. Loss-of-function variants in PLA2G6 are known to be pathogenic (PMID: 16783378, 18570303, 18799783, 22213678). This variant has not been reported in the literature in individuals affected with PLA2G6-related conditions. For these reasons, this variant has been classified as Pathogenic.

Literature cited by the submitters: PubMed 16783378; PubMed 18570303; PubMed 18799783; PubMed 22213678.

NC_000022.10:g.(?_38525441)_(38525589_?)del

Gene: PLA2G6 (phospholipase A2 group VI; minus strand). Cytogenetic location: 22q13.1.
Variant type: Deletion.
Identifiers: ClinVar variation 3247260 (VCV003247260.1).